The following is an entry in ClinVar:

NM_005518.4(HMGCS2):c.35T>A (p.Leu12Gln)

Gene: HMGCS2 (3-hydroxy-3-methylglutaryl-CoA synthase 2; minus strand). Cytogenetic location: 1p12.
Variant type: single nucleotide variant.
Coding change: c.35T>A on transcript NM_005518.4 (MANE Select); coding-DNA position 35, T replaced by A.
Protein change: p.Leu12Gln; replaces leucine 12 with glutamine.
Molecular consequence: missense variant.
Genome position (GRCh38, 1-based): chr1:119,768,810, A>T on the plus strand (T>A on the coding strand, the complement: HMGCS2 is on the minus strand). VCF-style: chr1-119768810-A-T. GRCh37 (hg19) VCF-style: chr1-120311433-A-T.
Other names: c.35T>A, p.Leu12Gln (NM_001166107.1); short protein forms L12Q.
Identifiers: ClinVar variation 1361506 (VCV001361506.7), dbSNP rs939049952, ClinGen allele CA341869767.

ClinVar aggregate classification (germline): Uncertain significance (1 of 4 stars; one submission).

Conditions:
3-hydroxy-3-methylglutaryl-CoA synthase deficiency (HMGCS2D). Also called: HMGCS2 DEFICIENCY; MITOCHONDRIAL HMG-CoA SYNTHASE DEFICIENCY; HMG-CoA synthase-2 deficiency. Identifiers: Orphanet 35701, MedGen C2751532, MONDO:0011614, OMIM 605911.

Allele frequency attached by ClinVar (database versions not stated): gnomAD exomes 0.00004.
gnomAD v4.1: 36 of 1,614,000 alleles (0.0022%); highest among the groups gnomAD compares: Admixed American, 0.06%; 1 homozygote.

Submission:

Labcorp Genetics (formerly Invitae), Labcorp
Classification: Uncertain significance for 3-hydroxy-3-methylglutaryl-CoA synthase deficiency. Last evaluated: 2020-12-30. Review status: criteria provided, single submitter. Criteria: Invitae Variant Classification Sherloc (09022015). Collection method: clinical testing. Allele origin: germline.
Comment: In summary, the available evidence is currently insufficient to determine the role of this variant in disease. Therefore, it has been classified as a Variant of Uncertain Significance. This sequence change replaces leucine with glutamine at codon 12 of the HMGCS2 protein (p.Leu12Gln). The leucine residue is moderately conserved and there is a moderate physicochemical difference between leucine and glutamine. This variant is not present in population databases (ExAC no frequency). This variant has not been reported in the literature in individuals with HMGCS2-related conditions. Algorithms developed to predict the effect of missense changes on protein structure and function are either unavailable or do not agree on the potential impact of this missense change (SIFT: "Deleterious"; PolyPhen-2: "Possibly Damaging"; Align-GVGD: "Class C0").